The following is an entry in ClinVar:

ClinVar aggregate classification (germline): Uncertain significance (1 of 4 stars; one submission).

Conditions:
Primary ciliary dyskinesia. Also called: Ciliary dyskinesia. Identifiers: Orphanet 244, MedGen C0008780, MONDO:0016575, HP:0012265.

Submission:

Labcorp Genetics (formerly Invitae), Labcorp
Classification: Uncertain significance for Primary ciliary dyskinesia. Last evaluated: 2025-12-06. Review status: criteria provided, single submitter. Criteria: Invitae Variant Classification Sherloc (09022015). Collection method: clinical testing. Allele origin: germline.
Comment: This sequence change replaces phenylalanine, which is neutral and non-polar, with serine, which is neutral and polar, at codon 129 of the CCDC114 protein (p.Phe129Ser). This variant is not present in population databases (gnomAD no frequency). This variant has not been reported in the literature in individuals affected with CCDC114-related conditions. ClinVar contains an entry for this variant (Variation ID: 2198844). An algorithm developed to predict the effect of missense changes on protein structure and function (PolyPhen-2) suggests that this variant is likely to be disruptive. In summary, the available evidence is currently insufficient to determine the role of this variant in disease. Therefore, it has been classified as a Variant of Uncertain Significance.

NM_001364171.2(ODAD1):c.497T>C (p.Phe166Ser)

Gene: ODAD1 (outer dynein arm docking complex subunit 1; minus strand). Cytogenetic location: 19q13.33.
Variant type: single nucleotide variant.
Coding change: c.497T>C on transcript NM_001364171.2 (MANE Select); coding-DNA position 497, T replaced by C.
Protein change: p.Phe166Ser; replaces phenylalanine 166 with serine.
Molecular consequence: missense variant.
Genome position (GRCh38, 1-based): chr19:48,311,653, A>G on the plus strand (T>C on the coding strand, the complement: ODAD1 is on the minus strand). VCF-style: chr19-48311653-A-G. GRCh37 (hg19) VCF-style: chr19-48814910-A-G.
Other names: c.386T>C, p.Phe129Ser (NM_144577.4); short protein forms F129S, F166S.
Identifiers: ClinVar variation 2198844 (VCV002198844.4), dbSNP rs2515949291, ClinGen allele CA406664358.